The following is an entry in ClinVar:

ClinVar aggregate classification (germline): Uncertain significance. Review status: criteria provided, multiple submitters, no conflicts (2 of 4 stars). 2 submissions from 2 submitters: Uncertain significance (2). Last evaluated 2023-03-13.

Conditions:
Hypertrophic cardiomyopathy. Also called: HYPERTROPHIC MYOCARDIOPATHY. Identifiers: Orphanet 217569, MedGen C0007194, MeSH D002312, MONDO:0005045, HP:0001639.
Cardiovascular phenotype. Identifiers: MedGen CN230736.

Allele frequency attached by ClinVar (database versions not stated): gnomAD exomes 0.00001; TOPMed 0.00001; gnomAD 0.00005 and 0.00006.

Submissions (2):

Labcorp Genetics (formerly Invitae), Labcorp
Classification: Uncertain significance for Hypertrophic cardiomyopathy. Last evaluated: 2023-03-13. Review status: criteria provided, single submitter. Criteria: Invitae Variant Classification Sherloc (09022015). Collection method: clinical testing. Allele origin: germline.
Comment: This sequence change replaces glycine, which is neutral and non-polar, with serine, which is neutral and polar, at codon 117 of the JPH2 protein (p.Gly117Ser). This variant is present in population databases (no rsID available, gnomAD 0.01%). In summary, the available evidence is currently insufficient to determine the role of this variant in disease. Therefore, it has been classified as a Variant of Uncertain Significance. An algorithm developed to predict the effect of missense changes on protein structure and function (PolyPhen-2) suggests that this variant is likely to be disruptive. ClinVar contains an entry for this variant (Variation ID: 1502010). This variant has not been reported in the literature in individuals affected with JPH2-related conditions.

Ambry Genetics
Classification: Uncertain significance for Cardiovascular phenotype. Last evaluated: 2020-03-11. Review status: criteria provided, single submitter. Criteria: Ambry Variant Classification Scheme 2023. Collection method: clinical testing. Allele origin: germline.
Comment: The p.G117S variant (also known as c.349G>A), located in coding exon 1 of the JPH2 gene, results from a G to A substitution at nucleotide position 349. The glycine at codon 117 is replaced by serine, an amino acid with similar properties. This amino acid position is highly conserved in available vertebrate species. In addition, this alteration is predicted to be deleterious by in silico analysis. Since supporting evidence is limited at this time, the clinical significance of this alteration remains unclear.

NM_020433.5(JPH2):c.349G>A (p.Gly117Ser)

Gene: JPH2 (junctophilin 2; minus strand). Cytogenetic location: 20q13.12.
Variant type: single nucleotide variant.
Coding change: c.349G>A on transcript NM_020433.5 (MANE Select); coding-DNA position 349, G replaced by A.
Protein change: p.Gly117Ser; replaces glycine 117 with serine.
Molecular consequence: missense variant.
Genome position (GRCh38, 1-based): chr20:44,186,357, C>T on the plus strand (G>A on the coding strand, the complement: JPH2 is on the minus strand). VCF-style: chr20-44186357-C-T. GRCh37 (hg19) VCF-style: chr20-42814997-C-T.
Other names: c.349G>A, p.Gly117Ser (NM_175913.4); short protein forms G117S.
Identifiers: ClinVar variation 1502010 (VCV001502010.8), dbSNP rs1414551155, ClinGen allele CA409094981.